The following is an entry in ClinVar:

ClinVar aggregate classification (germline): Pathogenic. Review status: criteria provided, multiple submitters, no conflicts (2 of 4 stars). 7 submissions from 7 submitters: Pathogenic (4). 3 of the submissions do not count toward it. Last evaluated 2025-06-23.

Conditions:
Bronchiectasis with or without elevated sweat chloride 2 (BESC2). Identifiers: Orphanet 60033, MedGen C2751666, MONDO:0013087, OMIM 613021.
Pseudohypoaldosteronism, type IB1, autosomal recessive. Also called: Autosomal recessive pseudohypoaldosteronism type 1; Pseudohypoaldosteronism, Type I, Autosomal Recessive; Pseudohypoaldosteronism, Type I, Recessive; PHA I, AUTOSOMAL RECESSIVE. Identifiers: Orphanet 171876, Orphanet 756, MedGen C5774176, MONDO:0009917, OMIM 264350.
Liddle syndrome 3. Identifiers: MedGen C4748292, MONDO:0029132, OMIM 618126.
SCNN1A-related disorder. Also called: SCNN1A-related condition; SCNN1A-related disorders.
Incidental Discovery. Identifiers: MedGen C1135954.

Allele frequency attached by ClinVar (database versions not stated): gnomAD 0.00001; TOPMed 0.00001; gnomAD exomes 0.00004 and 0.00013; ExAC 0.00024.

Submissions (7):

Clinical Genetics Laboratory, Skane University Hospital Lund
Classification: Pathogenic for Incidental Discovery. Last evaluated: 2025-06-23. Review status: criteria provided, single submitter. Criteria: ACMG Guidelines, 2015. Collection method: clinical testing. Allele origin: germline. Affected: no.
Comment: ACMG criteria used: PVS1, PM2, PM3_Strong.

Fulgent Genetics
Classification: Pathogenic for Pseudohypoaldosteronism, type IB1, autosomal recessive; Bronchiectasis with or without elevated sweat chloride 2; Liddle syndrome 3. Last evaluated: 2024-04-11. Review status: criteria provided, single submitter. Criteria: ACMG Guidelines, 2015. Collection method: clinical testing. Allele origin: germline.

Labcorp Genetics (formerly Invitae), Labcorp
Classification: Pathogenic. Last evaluated: 2024-01-04. Review status: criteria provided, single submitter. Criteria: Invitae Variant Classification Sherloc (09022015). Collection method: clinical testing. Allele origin: germline.
Comment: This sequence change creates a premature translational stop signal (p.Tyr484Thrfs*13) in the SCNN1A gene. It is expected to result in an absent or disrupted protein product. Loss-of-function variants in SCNN1A are known to be pathogenic (PMID: 10403853, 23416952). This variant is present in population databases (rs756434927, gnomAD 0.03%). This premature translational stop signal has been observed in individual(s) with pseudohypoaldosteronism type 1 (PMID: 10586178). ClinVar contains an entry for this variant (Variation ID: 9265). For these reasons, this variant has been classified as Pathogenic.

Blueprint Genetics
Classification: Pathogenic for SCNN1A-related disorders. Last evaluated: 2023-05-25. Review status: criteria provided, single submitter. Criteria: ACMG Guidelines, 2015. Collection method: clinical testing. Allele origin: germline. Affected: yes. Observed: 4 variant alleles.

OMIM
Classification: Pathogenic for PSEUDOHYPOALDOSTERONISM, TYPE IB1, AUTOSOMAL RECESSIVE. Last evaluated: 1999-12-01. Review status: no assertion criteria provided. Collection method: literature only. Allele origin: germline. Not counted in ClinVar's aggregate classification.

Genome Diagnostics Laboratory, Amsterdam University Medical Center
Classification: Pathogenic. Review status: no assertion criteria provided. Collection method: clinical testing. Allele origin: germline. Affected: yes. Study: VKGL Data-share Consensus. Not counted in ClinVar's aggregate classification.

Joint Genome Diagnostic Labs from Nijmegen and Maastricht, Radboudumc and MUMC+
Classification: Pathogenic. Review status: no assertion criteria provided. Collection method: clinical testing. Allele origin: germline. Affected: yes. Study: VKGL Data-share Consensus. Not counted in ClinVar's aggregate classification.

Literature cited by the submitters: PubMed 10403853 (cited by Labcorp Genetics (formerly Invitae), Labcorp); PubMed 23416952 (cited by Labcorp Genetics (formerly Invitae), Labcorp); PubMed 10586178 (cited by Labcorp Genetics (formerly Invitae), Labcorp); Schaedel, C., Marthinsen, L., Kristoffersson, A.-C., Kornfalt, R., Nilsson, K. O., Orlenius, B., Holmberg, L. Lung symptoms in pseudohypoaldosteronism type 1 are associated with deficiency of the alpha-subunit of the epithelial sodium channel. J. Pediat. 135: 739-745, 1999. (cited by OMIM).

NM_001038.6(SCNN1A):c.1449del (p.Tyr484fs)

Gene: SCNN1A (sodium channel epithelial 1 subunit alpha; minus strand). Cytogenetic location: 12p13.31.
Variant type: Deletion.
Coding change: c.1449del on transcript NM_001038.6 (MANE Select); coding-DNA position 1449, one base deleted (C; older notation c.1449delC).
Protein change: p.Tyr484fs; shifts the reading frame from tyrosine 484.
Molecular consequence: frameshift variant.
Genome position (GRCh38, 1-based): chr12:6,349,212, G deleted on the plus strand (C on the coding strand, the reverse complement: SCNN1A is on the minus strand). VCF-style (leftmost placement, unchanged base first): chr12-6349211-AG-A. GRCh37 (hg19) VCF-style: chr12-6458377-AG-A.
Other names: c.1518del, p.Tyr507fs (NM_001159575.2); c.1626del, p.Tyr543fs (NM_001159576.2); short protein forms Y484fs, Y507fs, Y543fs.
Identifiers: ClinVar variation 9265 (VCV000009265.11), dbSNP rs756434927, ClinGen allele CA6405846.